The following is an entry in ClinVar:

ClinVar aggregate classification (germline): Likely benign. Review status: criteria provided, multiple submitters, no conflicts (2 of 4 stars). 3 submissions from 3 submitters: Likely benign (3). Last evaluated 2026-01-22.

Conditions:
SLC24A1-related disorder. Also called: SLC24A1-related condition.

Allele frequency attached by ClinVar (database versions not stated): gnomAD 0.00005; TOPMed 0.00005; ESP Exome Variant Server 0.00008; ExAC 0.00010; gnomAD exomes 0.00010; 1000 Genomes Project 30x 0.00031; 1000 Genomes Project 0.00040.
gnomAD v4.1: 156 of 1,604,674 alleles (0.0097%); highest among the groups gnomAD compares: South Asian, 0.031%; no homozygotes.

Submissions (3):

Labcorp Genetics (formerly Invitae), Labcorp
Classification: Likely benign. Last evaluated: 2026-01-22. Review status: criteria provided, single submitter. Criteria: Invitae Variant Classification Sherloc (09022015). Collection method: clinical testing. Allele origin: germline.

PreventionGenetics, part of Exact Sciences
Classification: Likely benign for SLC24A1-related condition. Last evaluated: 2025-01-16. Review status: criteria provided, single submitter. Criteria: ACMG Guidelines, 2015. Collection method: clinical testing. Allele origin: germline.
Comment: This variant is classified as likely benign based on ACMG/AMP sequence variant interpretation guidelines (Richards et al. 2015 PMID: 25741868, with internal and published modifications).

Blueprint Genetics
Classification: Likely benign. Last evaluated: 2024-01-03. Review status: criteria provided, single submitter. Criteria: ACMG Guidelines, 2015. Collection method: clinical testing. Allele origin: germline.

NM_004727.3(SLC24A1):c.606G>A (p.Pro202=)

Gene: SLC24A1 (solute carrier family 24 member 1; plus strand). Cytogenetic location: 15q22.31.
Variant type: single nucleotide variant.
Coding change: c.606G>A on transcript NM_004727.3 (MANE Select); coding-DNA position 606, G replaced by A.
Protein change: p.Pro202=; no amino-acid change (proline 202 retained).
Molecular consequence: synonymous variant.
Genome position (GRCh38, 1-based): chr15:65,624,686, G>A. VCF-style: chr15-65624686-G-A. GRCh37 (hg19) VCF-style: chr15-65917024-G-A.
Other names: c.606G>A, p.Pro202= (NM_001301031.1, NM_001301032.1, NM_001301033.2 and 1 more transcripts); c.606G>A (NM_004727.2).
Identifiers: ClinVar variation 2177854 (VCV002177854.6), dbSNP rs367903341, ClinGen allele CA7619774.